The following is an entry in ClinVar:

NM_144573.4(NEXN):c.994G>A (p.Glu332Lys)

Gene: NEXN (nexilin F-actin binding protein; plus strand). Cytogenetic location: 1p31.1.
Variant type: single nucleotide variant.
Coding change: c.994G>A on transcript NM_144573.4 (MANE Select); coding-DNA position 994, G replaced by A.
Protein change: p.Glu332Lys; replaces glutamic acid 332 with lysine.
Molecular consequence: missense variant.
Genome position (GRCh38, 1-based): chr1:77,929,445, G>A. VCF-style: chr1-77929445-G-A. GRCh37 (hg19) VCF-style: chr1-78395130-G-A.
Other names: c.802G>A, p.Glu268Lys (NM_001172309.2); short protein forms E268K, E332K.
Identifiers: ClinVar variation 1768699 (VCV001768699.2), dbSNP rs1374513497, ClinGen allele CA340875592.

ClinVar aggregate classification (germline): Uncertain significance (1 of 4 stars; one submission).

Conditions:
Cardiovascular phenotype. Identifiers: MedGen CN230736.

Allele frequency attached by ClinVar (database versions not stated): TOPMed below 0.00001; gnomAD 0.00001; gnomAD exomes 0.00002.
gnomAD v4.1: 15 of 1,613,258 alleles (0.00093%); highest among the groups gnomAD compares: East Asian, 0.033%; no homozygotes.

Submission:

Ambry Genetics
Classification: Uncertain significance for Cardiovascular phenotype. Last evaluated: 2023-12-31. Review status: criteria provided, single submitter. Criteria: Ambry Variant Classification Scheme 2023. Collection method: clinical testing. Allele origin: germline.
Comment: The p.E332K variant (also known as c.994G>A), located in coding exon 8 of the NEXN gene, results from a G to A substitution at nucleotide position 994. The glutamic acid at codon 332 is replaced by lysine, an amino acid with similar properties. This amino acid position is well conserved in available vertebrate species. In addition, this alteration is predicted to be tolerated by in silico analysis. Since supporting evidence is limited at this time, the clinical significance of this alteration remains unclear.